The following is an entry in ClinVar:

ClinVar aggregate classification (germline): Uncertain significance (1 of 4 stars; one submission).

Submission:

Ambry Genetics
Classification: Uncertain significance. Last evaluated: 2025-04-17. Review status: criteria provided, single submitter. Criteria: Ambry Variant Classification Scheme 2023. Collection method: clinical testing. Allele origin: germline.
Comment: The p.P278T variant (also known as c.832C>A), located in coding exon 1 of the CDK12 gene, results from a C to A substitution at nucleotide position 832. The proline at codon 278 is replaced by threonine, an amino acid with highly similar properties. This amino acid position is conserved. In addition, this alteration is predicted to be tolerated by in silico analysis. Based on the available evidence, the clinical significance of this variant remains unclear.

NM_016507.4(CDK12):c.832C>A (p.Pro278Thr)

Genes: CDK12 (cyclin dependent kinase 12; plus strand), LOC126862553 (CDK7 strongly-dependent group 2 enhancer GRCh37_chr17:37618166-37619365; plus strand). Cytogenetic location: 17q12.
Variant type: single nucleotide variant.
Coding change: c.832C>A on transcript NM_016507.4 (MANE Select); coding-DNA position 832, C replaced by A.
Protein change: p.Pro278Thr; replaces proline 278 with threonine.
Molecular consequence: missense variant.
Genome position (GRCh38, 1-based): chr17:39,462,903, C>A. VCF-style: chr17-39462903-C-A. GRCh37 (hg19) VCF-style: chr17-37619156-C-A.
Other names: c.832C>A, p.Pro278Thr (NM_015083.4); short protein forms P278T.
Identifiers: ClinVar variation 3999361 (VCV003999361.1).
Genomic context (GRCh38, chr17:39,462,903, plus strand): 5'-AATTATGACTCCTACAAGAAAAGTCCTGGAAGTACCTCGAGAAGGCAGTCGGTCAGTCCC[C>A]CTTACAAGGAGCCTTCGGCCTACCAGTCCAGCACCCGGTCACCGAGCCCCTACAGTAGGC-3'
Protein context (NP_057591.2, residues 268-288): STSRRQSVSP[Pro278Thr]YKEPSAYQSS